The following is an entry in ClinVar:

NM_000256.3(MYBPC3):c.1535T>A (p.Leu512Gln)

Gene: MYBPC3 (myosin binding protein C3; minus strand). Cytogenetic location: 11p11.2.
Variant type: single nucleotide variant.
Coding change: c.1535T>A on transcript NM_000256.3 (MANE Select); coding-DNA position 1535, T replaced by A.
Protein change: p.Leu512Gln; replaces leucine 512 with glutamine.
Molecular consequence: missense variant.
Genome position (GRCh38, 1-based): chr11:47,342,667, A>T on the plus strand (T>A on the coding strand, the complement: MYBPC3 is on the minus strand). VCF-style: chr11-47342667-A-T. GRCh37 (hg19) VCF-style: chr11-47364218-A-T.
Other names: short protein forms L512Q.
Identifiers: ClinVar variation 42544 (VCV000042544.5), dbSNP rs397515909, ClinGen allele CA010574.
Genomic context (GRCh38, chr11:47,342,667, plus strand): 5'-CCCCCGCTAGTGCACAGTGCATAGTGCCCCGCGTCCTCCAGCATGGCCTCGTTGATGATC[A>T]GGTGGTGTCTCTGCCCGTCCTTCTTGAACCGGTATTTGAAGGTCTCCTCCCGGGTCAGCT-3'
Protein context (NP_000247.2, residues 502-522): RFKKDGQRHH[Leu512Gln]IINEAMLEDA

ClinVar aggregate classification (germline): Uncertain significance. Review status: criteria provided, multiple submitters, no conflicts (2 of 4 stars). 3 submissions from 3 submitters: Uncertain significance (3). Last evaluated 2025-09-27.

Conditions:
Cardiomyopathy (CMYO). Also called: Cardiomyopathies. Identifiers: Orphanet 167848, MedGen C0878544, MONDO:0004994, HP:0001638. Inheritance: Various modes of inheritance.
Hypertrophic cardiomyopathy. Also called: HYPERTROPHIC MYOCARDIOPATHY. Identifiers: Orphanet 217569, MedGen C0007194, MeSH D002312, MONDO:0005045, HP:0001639.

Submissions (3):

Labcorp Genetics (formerly Invitae), Labcorp
Classification: Uncertain significance for Hypertrophic cardiomyopathy. Last evaluated: 2025-09-27. Review status: criteria provided, single submitter. Criteria: Invitae Variant Classification Sherloc (09022015). Collection method: clinical testing. Allele origin: germline.
Comment: This sequence change replaces leucine, which is neutral and non-polar, with glutamine, which is neutral and polar, at codon 512 of the MYBPC3 protein (p.Leu512Gln). This variant is not present in population databases (gnomAD no frequency). This missense change has been observed in individual(s) with hypertrophic cardiomyopathy (PMID: 27532257). ClinVar contains an entry for this variant (Variation ID: 42544). An algorithm developed to predict the effect of missense changes on protein structure and function (PolyPhen-2) suggests that this variant is likely to be disruptive. In summary, the available evidence is currently insufficient to determine the role of this variant in disease. Therefore, it has been classified as a Variant of Uncertain Significance.

Color Diagnostics, LLC DBA Color Health
Classification: Uncertain significance for Cardiomyopathy. Last evaluated: 2025-07-02. Review status: criteria provided, single submitter. Criteria: ACMG Guidelines, 2015. Collection method: clinical testing. Allele origin: germline.
Comment: This missense variant replaces leucine with glutamine at codon 512 of the MYBPC3 protein. Computational prediction suggests that this variant may have a deleterious impact on protein structure and function. To our knowledge, functional studies have not been reported for this variant. This variant has been reported in an individual affected with hypertrophic cardiomyopathy (PMID: 25611685, 27532257). This variant has not been identified in the general population by the Genome Aggregation Database (gnomAD). The available evidence is insufficient to determine the role of this variant in disease conclusively. Therefore, this variant is classified as a Variant of Uncertain Significance.

Laboratory for Molecular Medicine, Mass General Brigham Personalized Medicine
Classification: Uncertain significance. Last evaluated: 2011-04-07. Review status: criteria provided, single submitter. Criteria: LMM Criteria. Collection method: clinical testing. Allele origin: germline. Observed: 1 variant allele.
Comment: Variant classified as Uncertain Significance - Favor Pathogenic. The Leu512Gln v ariant has not been reported in the literature and has not been previously detec ted in >1,600 Caucasian probands tested by our laboratory. Leucine (Leu) at positi on 512 is highly conserved across several evolutionary distant species, increasi ng the likelihood that the change is pathogenic. However, in the absence of addi tional supporting data (segregation and control studies), the clinical significa nce of this variant cannot be determined at this time.

Literature cited by the submitters: PubMed 27532257 (cited by Labcorp Genetics (formerly Invitae), Labcorp and Color Diagnostics, LLC DBA Color Health); PubMed 25611685 (cited by Color Diagnostics, LLC DBA Color Health).